The following is an entry in ClinVar:

NM_014370.4(SRPK3):c.387+1G>A

Gene: SRPK3 (SRSF protein kinase 3; plus strand). Cytogenetic location: Xq28.
Variant type: single nucleotide variant.
Coding change: c.387+1G>A on transcript NM_014370.4 (MANE Select); the canonical splice donor site of the intron after coding-DNA position 387, G replaced by A.
Molecular consequence: splice donor variant.
Genome position (GRCh38, 1-based): chrX:153,781,831, G>A. VCF-style: chrX-153781831-G-A. GRCh37 (hg19) VCF-style: chrX-153047286-G-A.
Other names: c.387+1G>A (NM_001170760.2, NM_001170761.2).
Identifiers: ClinVar variation 2692553 (VCV002692553.1), dbSNP rs2092053953, ClinGen allele CA415158759.

ClinVar aggregate classification (germline): Uncertain significance (1 of 4 stars; one submission).

Allele frequency attached by ClinVar (database versions not stated): TOPMed below 0.00001.

Submission:

Greenwood Genetic Center Diagnostic Laboratories, Greenwood Genetic Center
Classification: Uncertain significance. Last evaluated: 2023-10-17. Review status: criteria provided, single submitter. Criteria: ACMG Guidelines, 2015. Collection method: clinical testing. Allele origin: germline. Affected: yes.
Comment: Gene of Uncertain Significance